The following is an entry in ClinVar:

NM_001001957.2(OR2W3):c.366G>C (p.Arg122=)

Gene: OR2W3 (olfactory receptor family 2 subfamily W member 3; plus strand). Cytogenetic location: 1q44.
Variant type: single nucleotide variant.
Coding change: c.366G>C on transcript NM_001001957.2 (MANE Select); coding-DNA position 366, G replaced by C.
Protein change: p.Arg122=; no amino-acid change (arginine 122 retained).
Molecular consequence: synonymous variant.
Genome position (GRCh38, 1-based): chr1:247,895,952, G>C. VCF-style: chr1-247895952-G-C. GRCh37 (hg19) VCF-style: chr1-248059254-G-C.
Identifiers: ClinVar variation 4765607 (VCV004765607.1).
Genomic context (GRCh38, chr1:247,895,952, plus strand): 5'-CCTGTTCCTGGGTCTGGGTGGTGTGGAGTGCCTGCTTCTGGCTGTCATGGCCTATGACCG[G>C]TGTGTGGCTATCTGCAAGCCCCTGCACTACATGGTGATCATGAACCCCAGGCTCTGCCGG-3'
Protein context (NP_001001957.2, residues 112-132): CLLLAVMAYD[Arg122=]CVAICKPLHY

ClinVar aggregate classification (germline): Uncertain significance (1 of 4 stars; one submission).

Submission:

Labcorp Genetics (formerly Invitae), Labcorp
Classification: Uncertain significance. Last evaluated: 2025-02-03. Review status: criteria provided, single submitter. Criteria: Invitae Variant Classification Sherloc (09022015). Collection method: clinical testing. Allele origin: germline.
Comment: This sequence change affects codon 122 of the OR2W3 mRNA. It is a 'silent' change, meaning that it does not change the encoded amino acid sequence of the OR2W3 protein. This variant is not present in population databases (gnomAD no frequency). This variant has not been reported in the literature in individuals affected with OR2W3-related conditions. In summary, the available evidence is currently insufficient to determine the role of this variant in disease. Therefore, it has been classified as a Variant of Uncertain Significance.